The following is an entry in ClinVar:

ClinVar aggregate classification (germline): Uncertain significance. Review status: criteria provided, multiple submitters, no conflicts (2 of 4 stars). 2 submissions from 2 submitters: Uncertain significance (2). Last evaluated 2023-08-17.

Conditions:
Combined oxidative phosphorylation defect type 23. Also called: Combined oxidative phosphorylation deficiency 23. Identifiers: Orphanet 444013, MedGen C5567743, MONDO:0014525, OMIM 616198.

Allele frequency attached by ClinVar (database versions not stated): gnomAD exomes below 0.00001; TOPMed below 0.00001; gnomAD 0.00001.
gnomAD v4.1: 3 of 1,613,264 alleles (0.00019%); highest among the groups gnomAD compares: Admixed American, 0.0017%; no homozygotes.

Submissions (2):

Labcorp Genetics (formerly Invitae), Labcorp
Classification: Uncertain significance. Last evaluated: 2023-08-17. Review status: criteria provided, single submitter. Criteria: Invitae Variant Classification Sherloc (09022015). Collection method: clinical testing. Allele origin: germline.
Comment: In summary, the available evidence is currently insufficient to determine the role of this variant in disease. Therefore, it has been classified as a Variant of Uncertain Significance. Advanced modeling of protein sequence and biophysical properties (such as structural, functional, and spatial information, amino acid conservation, physicochemical variation, residue mobility, and thermodynamic stability) performed at Invitae indicates that this missense variant is not expected to disrupt GTPBP3 protein function. ClinVar contains an entry for this variant (Variation ID: 1031608). This variant has not been reported in the literature in individuals affected with GTPBP3-related conditions. This variant is present in population databases (no rsID available, gnomAD 0.003%). This sequence change replaces arginine, which is basic and polar, with glutamine, which is neutral and polar, at codon 502 of the GTPBP3 protein (p.Arg502Gln).

Baylor Genetics
Classification: Uncertain significance for Combined oxidative phosphorylation defect type 23. Last evaluated: 2018-07-16. Review status: criteria provided, single submitter. Criteria: ACMG Guidelines, 2015. Collection method: clinical testing. Allele origin: unknown. Affected: yes.
Comment: This variant was determined to be of uncertain significance according to ACMG Guidelines, 2015 [PMID:25741868].

NM_032620.4(GTPBP3):c.1409G>A (p.Arg470Gln)

Gene: GTPBP3 (GTP binding protein 3, mitochondrial; plus strand). Cytogenetic location: 19p13.11.
Variant type: single nucleotide variant.
Coding change: c.1409G>A on transcript NM_032620.4 (MANE Select); coding-DNA position 1409, G replaced by A.
Protein change: p.Arg470Gln; replaces arginine 470 with glutamine.
Molecular consequence: missense variant.
Genome position (GRCh38, 1-based): chr19:17,341,633, G>A. VCF-style: chr19-17341633-G-A. GRCh37 (hg19) VCF-style: chr19-17452442-G-A.
Other names: c.1346G>A, p.Arg449Gln (NM_001128855.3); c.1475G>A, p.Arg492Gln (NM_001195422.1); c.1505G>A, p.Arg502Gln (NM_133644.4); short protein forms R470Q, R449Q, R492Q, R502Q.
Identifiers: ClinVar variation 1031608 (VCV001031608.4), dbSNP rs1228454692, ClinGen allele CA404739752.